The following is an entry in ClinVar:

NM_001042492.3(NF1):c.6368A>T (p.His2123Leu)

Gene: NF1 (neurofibromin 1; plus strand). Cytogenetic location: 17q11.2.
Variant type: single nucleotide variant.
Coding change: c.6368A>T on transcript NM_001042492.3 (MANE Select); coding-DNA position 6368, A replaced by T.
Protein change: p.His2123Leu; replaces histidine 2123 with leucine.
Molecular consequence: missense variant.
Genome position (GRCh38, 1-based): chr17:31,336,855, A>T. VCF-style: chr17-31336855-A-T. GRCh37 (hg19) VCF-style: chr17-29663873-A-T.
Other names: c.6305A>T, p.His2102Leu (NM_000267.4); short protein forms H2102L, H2123L.
Identifiers: ClinVar variation 579497 (VCV000579497.16), dbSNP rs112546213, ClinGen allele CA399012840.

ClinVar aggregate classification (germline): Conflicting classifications of pathogenicity. Review status: criteria provided, conflicting classifications (1 of 4 stars). 3 submissions from 3 submitters: Uncertain significance (2); Likely benign (1). Last evaluated 2026-01-03.

Conditions:
Cardiovascular phenotype. Identifiers: MedGen CN230736.
Hereditary cancer-predisposing syndrome. Also called: Hereditary neoplastic syndrome; Tumor predisposition; Hereditary Cancer Syndrome; Neoplastic Syndromes, Hereditary. Identifiers: Orphanet 140162, MedGen C0027672, MeSH D009386, MONDO:0015356.
Neurofibromatosis, type 1 (NF1). Also called: Peripheral type neurofibromatosis; Neurofibromatosis, type I; VON RECKLINGHAUSEN DISEASE; NEUROFIBROMATOSIS, TYPE I, SOMATIC. Identifiers: Orphanet 636, MedGen C0027831, MONDO:0018975, OMIM 162200. Disease mechanism: loss of function.

Allele frequency attached by ClinVar (database versions not stated): gnomAD exomes 0.00001.
gnomAD v4.1: 3 of 1,613,722 alleles (0.00019%); highest among the groups gnomAD compares: Non-Finnish European, 0.00025%; no homozygotes.

Submissions (3):

Labcorp Genetics (formerly Invitae), Labcorp
Classification: Likely benign for Neurofibromatosis, type 1. Last evaluated: 2026-01-03. Review status: criteria provided, single submitter. Criteria: Invitae Variant Classification Sherloc (09022015). Collection method: clinical testing. Allele origin: germline.

Ambry Genetics
Classification: Uncertain significance for Cardiovascular phenotype; Hereditary cancer-predisposing syndrome. Last evaluated: 2025-11-24. Review status: criteria provided, single submitter. Criteria: Ambry Variant Classification Scheme 2023. Collection method: clinical testing. Allele origin: germline.
Comment: The p.H2102L variant (also known as c.6305A>T), located in coding exon 41 of the NF1 gene, results from an A to T substitution at nucleotide position 6305. The histidine at codon 2102 is replaced by leucine, an amino acid with similar properties. This amino acid position is highly conserved in available vertebrate species. In addition, this alteration is predicted to be deleterious by in silico analysis. Based on the available evidence, the clinical significance of this variant remains unclear.

Genome-Nilou Lab
Classification: Uncertain significance for Neurofibromatosis, type 1. Last evaluated: 2022-03-15. Review status: criteria provided, single submitter. Criteria: ACMG Guidelines, 2015. Collection method: clinical testing. Allele origin: germline. Affected: no.